The following is an entry in ClinVar:

ClinVar aggregate classification (germline): Uncertain significance (1 of 4 stars; one submission).

Conditions:
Myopathy, proximal, and ophthalmoplegia (CMYO6). Also called: MYOPATHY WITH CONGENITAL JOINT CONTRACTURES, OPHTHALMOPLEGIA, AND RIMMED VACUOLES; INCLUSION BODY MYOPATHY 3, AUTOSOMAL DOMINANT; CONGENITAL MYOPATHY 6 WITH OPHTHALMOPLEGIA. Identifiers: Orphanet 363677, Orphanet 79091, MedGen C1854106, MONDO:0011577, OMIM 605637.

Allele frequency attached by ClinVar (database versions not stated): gnomAD exomes below 0.00001.
gnomAD v4.1: 1 of 1,612,556 alleles (0.000062%); highest among the groups gnomAD compares: Non-Finnish European, 0.000085%; no homozygotes.

Submission:

Labcorp Genetics (formerly Invitae), Labcorp
Classification: Uncertain significance for Myopathy, proximal, and ophthalmoplegia. Last evaluated: 2022-11-07. Review status: criteria provided, single submitter. Criteria: Invitae Variant Classification Sherloc (09022015). Collection method: clinical testing. Allele origin: germline.
Comment: In summary, the available evidence is currently insufficient to determine the role of this variant in disease. Therefore, it has been classified as a Variant of Uncertain Significance. Advanced modeling of protein sequence and biophysical properties (such as structural, functional, and spatial information, amino acid conservation, physicochemical variation, residue mobility, and thermodynamic stability) performed at Invitae indicates that this missense variant is not expected to disrupt MYH2 protein function. This variant has not been reported in the literature in individuals affected with MYH2-related conditions. This variant is not present in population databases (gnomAD no frequency). This sequence change replaces glutamic acid, which is acidic and polar, with lysine, which is basic and polar, at codon 330 of the MYH2 protein (p.Glu330Lys).

NM_017534.6(MYH2):c.988G>A (p.Glu330Lys)

Genes: MYH2 (myosin heavy chain 2; minus strand), MYHAS (myosin heavy chain gene cluster antisense RNA; plus strand). Cytogenetic location: 17p13.1.
Variant type: single nucleotide variant.
Coding change: c.988G>A on transcript NM_017534.6 (MANE Select); coding-DNA position 988, G replaced by A.
Protein change: p.Glu330Lys; replaces glutamic acid 330 with lysine.
Molecular consequence: missense variant.
Genome position (GRCh38, 1-based): chr17:10,540,614, C>T on the plus strand (G>A on the coding strand, the complement: MYH2 is on the minus strand). VCF-style: chr17-10540614-C-T. GRCh37 (hg19) VCF-style: chr17-10443931-C-T.
Other names: c.988G>A, p.Glu330Lys (NM_001100112.2); short protein forms E330K.
Identifiers: ClinVar variation 2065878 (VCV002065878.4), dbSNP rs2508461095, ClinGen allele CA398164096.